The following is an entry in ClinVar:

NM_004341.5(CAD):c.3576G>C (p.Glu1192Asp)

Gene: CAD (carbamoyl-phosphate synthetase 2, aspartate transcarbamylase, and dihydroorotase; plus strand). Cytogenetic location: 2p23.3.
Variant type: single nucleotide variant.
Coding change: c.3576G>C on transcript NM_004341.5 (MANE Select); coding-DNA position 3576, G replaced by C.
Protein change: p.Glu1192Asp; replaces glutamic acid 1192 with aspartic acid.
Molecular consequence: missense variant.
Genome position (GRCh38, 1-based): chr2:27,234,184, G>C. VCF-style: chr2-27234184-G-C. GRCh37 (hg19) VCF-style: chr2-27457052-G-C.
Other names: c.3387G>C, p.Glu1129Asp (NM_001306079.2); short protein forms E1129D, E1192D.
Identifiers: ClinVar variation 2098675 (VCV002098675.4), dbSNP rs2465333136, ClinGen allele CA346215851.

ClinVar aggregate classification (germline): Uncertain significance (1 of 4 stars; one submission).

Submission:

Labcorp Genetics (formerly Invitae), Labcorp
Classification: Uncertain significance. Last evaluated: 2022-02-18. Review status: criteria provided, single submitter. Criteria: Invitae Variant Classification Sherloc (09022015). Collection method: clinical testing. Allele origin: germline.
Comment: This variant is not present in population databases (gnomAD no frequency). This sequence change replaces glutamic acid, which is acidic and polar, with aspartic acid, which is acidic and polar, at codon 1192 of the CAD protein (p.Glu1192Asp). This variant has not been reported in the literature in individuals affected with CAD-related conditions. Algorithms developed to predict the effect of missense changes on protein structure and function (SIFT, PolyPhen-2, Align-GVGD) all suggest that this variant is likely to be tolerated. In summary, the available evidence is currently insufficient to determine the role of this variant in disease. Therefore, it has been classified as a Variant of Uncertain Significance.